The following is an entry in ClinVar:

NM_022552.5(DNMT3A):c.2114T>C (p.Ile705Thr)

Gene: DNMT3A (DNA methyltransferase 3 alpha; minus strand). Cytogenetic location: 2p23.3.
Variant type: single nucleotide variant.
Coding change: c.2114T>C on transcript NM_022552.5 (MANE Select); coding-DNA position 2114, T replaced by C.
Protein change: p.Ile705Thr; replaces isoleucine 705 with threonine.
Molecular consequence: missense variant. On other transcripts: non-coding transcript variant (1).
Genome position (GRCh38, 1-based): chr2:25,240,699, A>G on the plus strand (T>C on the coding strand, the complement: DNMT3A is on the minus strand). VCF-style: chr2-25240699-A-G. GRCh37 (hg19) VCF-style: chr2-25463568-A-G.
Other names: c.1658T>C, p.Ile553Thr (NM_001320893.1); c.1445T>C, p.Ile482Thr (NM_001375819.1); c.1547T>C, p.Ile516Thr (NM_153759.3); c.2114T>C, p.Ile705Thr (NM_175629.2); short protein forms I482T, I516T, I553T, I705T.
Identifiers: ClinVar variation 2579622 (VCV002579622.1), dbSNP rs777037011, ClinGen allele CA43699187.
Genomic context (GRCh38, chr2:25,240,699, plus strand): 5'-CCGTAGAGGCCCTTGCGAGCAGGGTTGACGATGGAGAGGTCATTGCAGGGACTGCCCCCA[A>G]TCACCAGATCGAATGGGCCCCACTCCTGGATCTGGGAGGATAAAGGCAACGTGATGGGCC-3'
Protein context (NP_072046.2, residues 695-715): IQEWGPFDLV[Ile705Thr]GGSPCNDLSI

ClinVar aggregate classification (germline): Uncertain significance (1 of 4 stars; one submission).

Allele frequency attached by ClinVar (database versions not stated): TOPMed below 0.00001.

Submission:

GeneDx
Classification: Uncertain significance. Last evaluated: 2023-03-10. Review status: criteria provided, single submitter. Criteria: GeneDx Variant Classification Process June 2021. Collection method: clinical testing. Allele origin: germline. Affected: yes.
Comment: Reported as de novo in a patient with autism spectrum disorder; this individual was not reported to have intellectual disability (Satterstrom et al., 2020); In silico analysis supports that this missense variant has a deleterious effect on protein structure/function; This variant is associated with the following publications: (PMID: 31280122, 27733357, 28667884, 27276561, irin2020[CaseReport], 31981491)